The following is an entry in ClinVar:

ClinVar aggregate classification (germline): Uncertain significance (1 of 4 stars; one submission).

Conditions:
Aicardi-Goutieres syndrome 7 (AGS7). Identifiers: Orphanet 51, MedGen C3888244, MONDO:0014367, OMIM 615846.
Singleton-Merten syndrome 1 (SGMRT1). Also called: Widened medullary cavities of bone, aortic calcification, abnormal dentition, and muscular weakness; Syndrome of widened medullary cavities of the metacarpals and phalanges, aortic calcification and abnormal dentition. Identifiers: Orphanet 85191, MedGen C4225427, MONDO:0024535, OMIM 182250.

Submission:

Labcorp Genetics (formerly Invitae), Labcorp
Classification: Uncertain significance for Aicardi-Goutieres syndrome 7; Singleton-Merten syndrome 1. Last evaluated: 2022-07-06. Review status: criteria provided, single submitter. Criteria: Invitae Variant Classification Sherloc (09022015). Collection method: clinical testing. Allele origin: germline.
Comment: In summary, the available evidence is currently insufficient to determine the role of this variant in disease. Therefore, it has been classified as a Variant of Uncertain Significance. Algorithms developed to predict the effect of missense changes on protein structure and function are either unavailable or do not agree on the potential impact of this missense change (SIFT: "Tolerated"; PolyPhen-2: "Probably Damaging"; Align-GVGD: "Class C0"). ClinVar contains an entry for this variant (Variation ID: 1358248). This variant has not been reported in the literature in individuals affected with IFIH1-related conditions. This variant is not present in population databases (gnomAD no frequency). This sequence change replaces lysine, which is basic and polar, with asparagine, which is neutral and polar, at codon 606 of the IFIH1 protein (p.Lys606Asn).

NM_022168.4(IFIH1):c.1818G>C (p.Lys606Asn)

Gene: IFIH1 (interferon induced with helicase C domain 1; minus strand). Cytogenetic location: 2q24.2.
Variant type: single nucleotide variant.
Coding change: c.1818G>C on transcript NM_022168.4 (MANE Select); coding-DNA position 1818, G replaced by C.
Protein change: p.Lys606Asn; replaces lysine 606 with asparagine.
Molecular consequence: missense variant.
Genome position (GRCh38, 1-based): chr2:162,277,641, C>G on the plus strand (G>C on the coding strand, the complement: IFIH1 is on the minus strand). VCF-style: chr2-162277641-C-G. GRCh37 (hg19) VCF-style: chr2-163134151-C-G.
Other names: short protein forms K606N.
Identifiers: ClinVar variation 1358248 (VCV001358248.8), dbSNP rs2105197801, ClinGen allele CA348999712.
Genomic context (GRCh38, chr2:162,277,641, plus strand): 5'-AAGATGAGTATACGCATCTATCATTCGAATTGTGTCATTAATTTGTAGGGCCTCATTGTA[C>G]TTCCTCAAATGTTCTGCACAAACACGTTCTTTGCGATTTCCTTCTTTTGCAGCTGTGAAA-3'
Protein context (NP_071451.2, residues 596-616): KERVCAEHLR[Lys606Asn]YNEALQINDT